The following is an entry in ClinVar:

ClinVar aggregate classification (germline): Uncertain significance (1 of 4 stars; one submission).

gnomAD v4.1: 2 of 1,552,974 alleles (0.00013%); highest among the groups gnomAD compares: Middle Eastern, 0.018%; no homozygotes.

Submission:

Labcorp Genetics (formerly Invitae), Labcorp
Classification: Uncertain significance. Last evaluated: 2021-11-27. Review status: criteria provided, single submitter. Criteria: Invitae Variant Classification Sherloc (09022015). Collection method: clinical testing. Allele origin: germline.
Comment: This sequence change replaces arginine, which is basic and polar, with leucine, which is neutral and non-polar, at codon 331 of the PEPD protein (p.Arg331Leu). This variant is not present in population databases (gnomAD no frequency). This variant has not been reported in the literature in individuals affected with PEPD-related conditions. Algorithms developed to predict the effect of missense changes on protein structure and function (SIFT, PolyPhen-2, Align-GVGD) all suggest that this variant is likely to be tolerated. In summary, the available evidence is currently insufficient to determine the role of this variant in disease. Therefore, it has been classified as a Variant of Uncertain Significance.

NM_000285.4(PEPD):c.992G>T (p.Arg331Leu)

Gene: PEPD (peptidase D; minus strand). Cytogenetic location: 19q13.11.
Variant type: single nucleotide variant.
Coding change: c.992G>T on transcript NM_000285.4 (MANE Select); coding-DNA position 992, G replaced by T.
Protein change: p.Arg331Leu; replaces arginine 331 with leucine.
Molecular consequence: missense variant.
Genome position (GRCh38, 1-based): chr19:33,391,455, C>A on the plus strand (G>T on the coding strand, the complement: PEPD is on the minus strand). VCF-style: chr19-33391455-C-A. GRCh37 (hg19) VCF-style: chr19-33882361-C-A.
Other names: c.869G>T, p.Arg290Leu (NM_001166056.2); c.800G>T, p.Arg267Leu (NM_001166057.2); short protein forms R331L, R267L, R290L.
Identifiers: ClinVar variation 1395293 (VCV001395293.3), dbSNP rs1436135867, ClinGen allele CA405222018.